The following is an entry in ClinVar:

NM_030962.4(SBF2):c.4038C>G (p.Ile1346Met)

Gene: SBF2 (SET binding factor 2; minus strand). Cytogenetic location: 11p15.4.
Variant type: single nucleotide variant.
Coding change: c.4038C>G on transcript NM_030962.4 (MANE Select); coding-DNA position 4038, C replaced by G.
Protein change: p.Ile1346Met; replaces isoleucine 1346 with methionine.
Molecular consequence: missense variant.
Genome position (GRCh38, 1-based): chr11:9,812,649, G>C on the plus strand (C>G on the coding strand, the complement: SBF2 is on the minus strand). VCF-style: chr11-9812649-G-C. GRCh37 (hg19) VCF-style: chr11-9834196-G-C.
Other names: c.4134C>G, p.Ile1378Met (NM_001386339.1); c.3909C>G, p.Ile1303Met (NM_001386342.1); short protein forms I1346M, I1303M, I1378M.
Identifiers: ClinVar variation 577513 (VCV000577513.7), dbSNP rs752638300, ClinGen allele CA5881075.

ClinVar aggregate classification (germline): Uncertain significance. Review status: criteria provided, multiple submitters, no conflicts (2 of 4 stars). 2 submissions from 2 submitters: Uncertain significance (2). Last evaluated 2022-05-08.

Conditions:
Charcot-Marie-Tooth disease type 4. Also called: Charcot-Marie-Tooth disease, type IV; Charcot-Marie-Tooth, Type 4. Identifiers: Orphanet 64749, MedGen C4082197, MONDO:0018995.

Allele frequency attached by ClinVar (database versions not stated): ExAC 0.00002; gnomAD exomes 0.00002 and 0.00005; gnomAD 0.00004; TOPMed 0.00004.
gnomAD v4.1: 86 of 1,614,056 alleles (0.0053%); highest among the groups gnomAD compares: Non-Finnish European, 0.0069%; no homozygotes.

Submissions (2):

Labcorp Genetics (formerly Invitae), Labcorp
Classification: Uncertain significance for Charcot-Marie-Tooth disease type 4. Last evaluated: 2022-05-08. Review status: criteria provided, single submitter. Criteria: Invitae Variant Classification Sherloc (09022015). Collection method: clinical testing. Allele origin: germline.
Comment: This sequence change replaces isoleucine, which is neutral and non-polar, with methionine, which is neutral and non-polar, at codon 1346 of the SBF2 protein (p.Ile1346Met). This variant is present in population databases (rs752638300, gnomAD 0.003%). This variant has not been reported in the literature in individuals affected with SBF2-related conditions. ClinVar contains an entry for this variant (Variation ID: 577513). Algorithms developed to predict the effect of missense changes on protein structure and function (SIFT, PolyPhen-2, Align-GVGD) all suggest that this variant is likely to be tolerated. In summary, the available evidence is currently insufficient to determine the role of this variant in disease. Therefore, it has been classified as a Variant of Uncertain Significance.

GeneDx
Classification: Uncertain significance. Last evaluated: 2022-03-15. Review status: criteria provided, single submitter. Criteria: GeneDx Variant Classification Process June 2021. Collection method: clinical testing. Allele origin: germline. Affected: yes.
Comment: In silico analysis supports that this missense variant does not alter protein structure/function; Has not been previously published as pathogenic or benign to our knowledge